The following is an entry in ClinVar:

ClinVar aggregate classification (germline): Uncertain significance. Review status: criteria provided, multiple submitters, no conflicts (2 of 4 stars). 2 submissions from 2 submitters: Uncertain significance (2). Last evaluated 2023-08-15.

Conditions:
Catecholaminergic polymorphic ventricular tachycardia (CVPT). Also called: Catecholamine-induced polymorphic ventricular tachycardia. Identifiers: Orphanet 3286, MedGen C5574922, MONDO:0017990.
Catecholaminergic polymorphic ventricular tachycardia 1. Also called: RYR2-Related Catecholaminergic Polymorphic Ventricular Tachycardia; VENTRICULAR TACHYCARDIA, STRESS-INDUCED POLYMORPHIC 1; VENTRICULAR TACHYCARDIA, CATECHOLAMINERGIC POLYMORPHIC, 1, WITH OR WITHOUT ATRIAL DYSFUNCTION AND/OR DILATED CARDIOMYOPATHY. Identifiers: Orphanet 3286, MedGen C1631597, MONDO:0011484, OMIM 604772.

Allele frequency attached by ClinVar (database versions not stated): gnomAD exomes below 0.00001.
gnomAD v4.1: 1 of 1,563,200 alleles (0.000064%); highest among the groups gnomAD compares: Admixed American, 0.002%; no homozygotes.

Submissions (2):

All of Us Research Program, National Institutes of Health
Classification: Uncertain significance for Catecholaminergic polymorphic ventricular tachycardia. Last evaluated: 2023-08-15. Review status: criteria provided, single submitter. Criteria: ACMG Guidelines, 2015. Collection method: clinical testing. Allele origin: germline. Inheritance: Autosomal dominant inheritance. Observed: 2 variant alleles, 2 heterozygotes.
Comment: This missense variant replaces tyrosine with cysteine at codon 1062 of the RYR2 protein. Computational prediction suggests that this variant may have deleterious impact on protein structure and function (internally defined REVEL score threshold >= 0.7, PMID: 27666373). To our knowledge, functional studies have not been reported for this variant. This variant has not been reported in individuals affected with RYR2-related disorders in the literature. This variant has not been identified in the general population by the Genome Aggregation Database (gnomAD). The available evidence is insufficient to determine the role of this variant in disease conclusively. Therefore, this variant is classified as a Variant of Uncertain Significance.

This study involves interpretation of variants in research participants for the purpose of population health screening. Participant phenotype was not available at the time of variant classification. Additional details can be found in publication PMID: 35346344, PMCID: PMC8962531

Labcorp Genetics (formerly Invitae), Labcorp
Classification: Uncertain significance for Catecholaminergic polymorphic ventricular tachycardia 1. Last evaluated: 2020-03-03. Review status: criteria provided, single submitter. Criteria: Invitae Variant Classification Sherloc (09022015). Collection method: clinical testing. Allele origin: germline.
Comment: In summary, the available evidence is currently insufficient to determine the role of this variant in disease. Therefore, it has been classified as a Variant of Uncertain Significance. Algorithms developed to predict the effect of missense changes on protein structure and function (SIFT, PolyPhen-2, Align-GVGD) all suggest that this variant is likely to be disruptive, but these predictions have not been confirmed by published functional studies and their clinical significance is uncertain. This variant has not been reported in the literature in individuals with RYR2-related conditions. This variant is not present in population databases (ExAC no frequency). This sequence change replaces tyrosine with cysteine at codon 1062 of the RYR2 protein (p.Tyr1062Cys). The tyrosine residue is highly conserved and there is a large physicochemical difference between tyrosine and cysteine.

NM_001035.3(RYR2):c.3185A>G (p.Tyr1062Cys)

Gene: RYR2 (ryanodine receptor 2; plus strand). Cytogenetic location: 1q43.
Variant type: single nucleotide variant.
Coding change: c.3185A>G on transcript NM_001035.3 (MANE Select); coding-DNA position 3185, A replaced by G.
Protein change: p.Tyr1062Cys; replaces tyrosine 1062 with cysteine.
Molecular consequence: missense variant.
Genome position (GRCh38, 1-based): chr1:237,550,662, A>G. VCF-style: chr1-237550662-A-G. GRCh37 (hg19) VCF-style: chr1-237713962-A-G.
Other names: short protein forms Y1062C.
Identifiers: ClinVar variation 1036303 (VCV001036303.49), dbSNP rs1572838155, ClinGen allele CA345395191.